The following is an entry in ClinVar:

ClinVar aggregate classification (germline): Likely pathogenic. Review status: criteria provided, multiple submitters, no conflicts (2 of 4 stars). 2 submissions from 2 submitters: Likely pathogenic (2). Last evaluated 2025-01-23.

Conditions:
Autism spectrum disorder. Also called: Autism spectrum disorders. Identifiers: MedGen C1510586, MeSH D000067877, MONDO:0005258.

Submissions (2):

GeneDx
Classification: Likely pathogenic. Last evaluated: 2025-01-23. Review status: criteria provided, single submitter. Criteria: GeneDx Variant Classification Process June 2021. Collection method: clinical testing. Allele origin: germline. Affected: yes.
Comment: Canonical splice site variant predicted to result in an in-frame loss of the adjacent exon in a gene for which loss of function is a known mechanism of disease; Not observed at significant frequency in large population cohorts (gnomAD); This variant is associated with the following publications: (PMID: 33783954, 32094338, 28623346)

Department of Genetics, Rouen University Hospital, Normandy Center for Genomic and Personalized Medicine
Classification: Likely pathogenic for Autism spectrum disorder. Review status: criteria provided, single submitter. Criteria: ACMG Guidelines, 2015. Collection method: clinical testing. Allele origin: paternal. Affected: yes.

NM_001197104.2(KMT2A):c.10835+1G>A

Gene: KMT2A (lysine methyltransferase 2A; plus strand). Cytogenetic location: 11q23.3.
Variant type: single nucleotide variant.
Coding change: c.10835+1G>A on transcript NM_001197104.2 (MANE Select); the canonical splice donor site of the intron after coding-DNA position 10835, G replaced by A.
Molecular consequence: splice donor variant.
Genome position (GRCh38, 1-based): chr11:118,507,610, G>A. VCF-style: chr11-118507610-G-A. GRCh37 (hg19) VCF-style: chr11-118378325-G-A.
Other names: c.10925+1G>A (NM_001412597.1); c.10826+1G>A (NM_005933.4).
Identifiers: ClinVar variation 2430095 (VCV002430095.3), dbSNP rs141515578, ClinGen allele CA382827965.